The following is an entry in ClinVar:

NM_014264.5(PLK4):c.2536A>C (p.Thr846Pro)

Gene: PLK4 (polo like kinase 4; plus strand). Cytogenetic location: 4q28.1.
Variant type: single nucleotide variant.
Coding change: c.2536A>C on transcript NM_014264.5 (MANE Select); coding-DNA position 2536, A replaced by C.
Protein change: p.Thr846Pro; replaces threonine 846 with proline.
Molecular consequence: missense variant.
Genome position (GRCh38, 1-based): chr4:127,893,855, A>C. VCF-style: chr4-127893855-A-C. GRCh37 (hg19) VCF-style: chr4-128815010-A-C.
Other names: c.2440A>C, p.Thr814Pro (NM_001190799.2); c.2413A>C, p.Thr805Pro (NM_001190801.2); short protein forms T846P, T805P, T814P.
Identifiers: ClinVar variation 851965 (VCV000851965.5), dbSNP rs756376278, ClinGen allele CA3077086.

ClinVar aggregate classification (germline): Uncertain significance (1 of 4 stars; one submission).

Allele frequency attached by ClinVar (database versions not stated): ExAC 0.00001; gnomAD 0.00009; TOPMed 0.00009; gnomAD exomes 0.00013.
gnomAD v4.1: 201 of 1,590,932 alleles (0.013%); highest among the groups gnomAD compares: Non-Finnish European, 0.017%; no homozygotes.

Submission:

Labcorp Genetics (formerly Invitae), Labcorp
Classification: Uncertain significance. Last evaluated: 2025-01-06. Review status: criteria provided, single submitter. Criteria: Invitae Variant Classification Sherloc (09022015). Collection method: clinical testing. Allele origin: germline.
Comment: This sequence change replaces threonine, which is neutral and polar, with proline, which is neutral and non-polar, at codon 846 of the PLK4 protein (p.Thr846Pro). This variant is present in population databases (rs756376278, gnomAD 0.01%). This variant has not been reported in the literature in individuals affected with PLK4-related conditions. ClinVar contains an entry for this variant (Variation ID: 851965). An algorithm developed to predict the effect of missense changes on protein structure and function (PolyPhen-2) suggests that this variant¬†is likely to be tolerated. In summary, the available evidence is currently insufficient to determine the role of this variant in disease. Therefore, it has been classified as a Variant of Uncertain Significance.